The following is an entry in ClinVar:

NM_003978.5(PSTPIP1):c.1225C>T (p.Pro409Ser)

Gene: PSTPIP1 (proline-serine-threonine phosphatase interacting protein 1; plus strand). Cytogenetic location: 15q24.3.
Variant type: single nucleotide variant.
Coding change: c.1225C>T on transcript NM_003978.5 (MANE Select); coding-DNA position 1225, C replaced by T.
Protein change: p.Pro409Ser; replaces proline 409 with serine.
Molecular consequence: missense variant. On other transcripts: non-coding transcript variant (1).
Genome position (GRCh38, 1-based): chr15:77,037,150, C>T. VCF-style: chr15-77037150-C-T. GRCh37 (hg19) VCF-style: chr15-77329491-C-T.
Other names: c.1168C>T, p.Pro390Ser (NM_001321135.2); c.1198C>T, p.Pro400Ser (NM_001321136.2); c.1420C>T, p.Pro474Ser (NM_001321137.1); c.1216C>T, p.Pro406Ser (NM_001411086.1); short protein forms P474S, P400S, P406S, P390S, P409S.
Identifiers: ClinVar variation 2891716 (VCV002891716.4), dbSNP rs756621016, ClinGen allele CA273766442.

ClinVar aggregate classification (germline): Uncertain significance. Review status: criteria provided, multiple submitters, no conflicts (2 of 4 stars). 2 submissions from 2 submitters: Uncertain significance (2). Last evaluated 2023-07-28.

Conditions:
Pyogenic arthritis-pyoderma gangrenosum-acne syndrome (PAPA). Also called: FAMILIAL RECURRENT ARTHRITIS; PAPA SYNDROME. Identifiers: Orphanet 69126, MedGen C1858361, MONDO:0011462, OMIM 604416.

Allele frequency attached by ClinVar (database versions not stated): TOPMed 0.00001.
gnomAD v4.1: 3 of 1,610,914 alleles (0.00019%); highest among the groups gnomAD compares: Admixed American, 0.0033%; no homozygotes.

Submissions (2):

Labcorp Genetics (formerly Invitae), Labcorp
Classification: Uncertain significance for Pyogenic arthritis-pyoderma gangrenosum-acne syndrome. Last evaluated: 2023-07-28. Review status: criteria provided, single submitter. Criteria: Invitae Variant Classification Sherloc (09022015). Collection method: clinical testing. Allele origin: germline.
Comment: In summary, the available evidence is currently insufficient to determine the role of this variant in disease. Therefore, it has been classified as a Variant of Uncertain Significance. Advanced modeling of protein sequence and biophysical properties (such as structural, functional, and spatial information, amino acid conservation, physicochemical variation, residue mobility, and thermodynamic stability) performed at Invitae indicates that this missense variant is expected to disrupt PSTPIP1 protein function. This variant has not been reported in the literature in individuals affected with PSTPIP1-related conditions. This variant is present in population databases (no rsID available, gnomAD 0.003%). This sequence change replaces proline, which is neutral and non-polar, with serine, which is neutral and polar, at codon 409 of the PSTPIP1 protein (p.Pro409Ser).

Blueprint Genetics
Classification: Uncertain significance. Last evaluated: 2018-12-11. Review status: criteria provided, single submitter. Criteria: ACMG Guidelines, 2015. Collection method: clinical testing. Allele origin: germline.